The following is an entry in ClinVar:

ClinVar aggregate classification (germline): Uncertain significance (1 of 4 stars; one submission).

Allele frequency attached by ClinVar (database versions not stated): gnomAD exomes below 0.00001.
gnomAD v4.1: 1 of 1,612,922 alleles (0.000062%); highest among the groups gnomAD compares: Non-Finnish European, 0.000085%; no homozygotes.

Submission:

Labcorp Genetics (formerly Invitae), Labcorp
Classification: Uncertain significance. Last evaluated: 2022-10-26. Review status: criteria provided, single submitter. Criteria: Invitae Variant Classification Sherloc (09022015). Collection method: clinical testing. Allele origin: germline.
Comment: This sequence change replaces glutamine, which is neutral and polar, with histidine, which is basic and polar, at codon 348 of the NR2E3 protein (p.Gln348His). This variant is not present in population databases (gnomAD no frequency). This variant has not been reported in the literature in individuals affected with NR2E3-related conditions. Advanced modeling of protein sequence and biophysical properties (such as structural, functional, and spatial information, amino acid conservation, physicochemical variation, residue mobility, and thermodynamic stability) performed at Invitae indicates that this missense variant is not expected to disrupt NR2E3 protein function. In summary, the available evidence is currently insufficient to determine the role of this variant in disease. Therefore, it has been classified as a Variant of Uncertain Significance.

NM_014249.4(NR2E3):c.1044G>T (p.Gln348His)

Gene: NR2E3 (nuclear receptor subfamily 2 group E member 3; plus strand). Cytogenetic location: 15q23.
Variant type: single nucleotide variant.
Coding change: c.1044G>T on transcript NM_014249.4 (MANE Select); coding-DNA position 1044, G replaced by T.
Protein change: p.Gln348His; replaces glutamine 348 with histidine.
Molecular consequence: missense variant.
Genome position (GRCh38, 1-based): chr15:71,814,061, G>T. VCF-style: chr15-71814061-G-T. GRCh37 (hg19) VCF-style: chr15-72106402-G-T.
Other names: c.1044G>T, p.Gln348His (NM_016346.4); short protein forms Q348H.
Identifiers: ClinVar variation 1722220 (VCV001722220.5), dbSNP rs2543257259, ClinGen allele CA393039307.